The following is an entry in ClinVar:

ClinVar aggregate classification (germline): Uncertain significance (1 of 4 stars; one submission).

Submission:

Labcorp Genetics (formerly Invitae), Labcorp
Classification: Uncertain significance. Last evaluated: 2026-01-19. Review status: criteria provided, single submitter. Criteria: Invitae Variant Classification Sherloc (09022015). Collection method: clinical testing. Allele origin: germline.
Comment: This sequence change replaces serine, which is neutral and polar, with threonine, which is neutral and polar, at codon 923 of the ADNP protein (p.Ser923Thr). This variant is not present in population databases (gnomAD no frequency). This variant has not been reported in the literature in individuals affected with ADNP-related conditions. ClinVar contains an entry for this variant (Variation ID: 2092958). An algorithm developed to predict the effect of missense changes on protein structure and function outputs the following: PolyPhen-2: "Benign". The threonine amino acid residue is found in multiple mammalian species, which suggests that this missense change does not adversely affect protein function. In summary, the available evidence is currently insufficient to determine the role of this variant in disease. Therefore, it has been classified as a Variant of Uncertain Significance.

NM_001282531.3(ADNP):c.2767T>A (p.Ser923Thr)

Gene: ADNP (activity dependent neuroprotector homeobox; minus strand). Cytogenetic location: 20q13.13.
Variant type: single nucleotide variant.
Coding change: c.2767T>A on transcript NM_001282531.3 (MANE Select); coding-DNA position 2767, T replaced by A.
Protein change: p.Ser923Thr; replaces serine 923 with threonine.
Molecular consequence: missense variant.
Genome position (GRCh38, 1-based): chr20:50,891,947, A>T on the plus strand (T>A on the coding strand, the complement: ADNP is on the minus strand). VCF-style: chr20-50891947-A-T. GRCh37 (hg19) VCF-style: chr20-49508484-A-T.
Other names: c.2767T>A, p.Ser923Thr (NM_001282532.2, NM_001347511.2, NM_015339.5 and 1 more transcripts); short protein forms S923T.
Identifiers: ClinVar variation 2092958 (VCV002092958.4), dbSNP rs1247388065, ClinGen allele CA408967900.